The following is an entry in ClinVar:

ClinVar aggregate classification (germline): Benign/Likely benign. Review status: criteria provided, multiple submitters, no conflicts (2 of 4 stars). 16 submissions from 16 submitters: Benign (9); Likely benign (5). 2 of the submissions do not count toward it. Last evaluated 2026-09-01.

Conditions:
Inborn genetic diseases. Identifiers: MedGen C0950123, MeSH D030342.
Landau-Kleffner syndrome (FESD). Also called: APHASIA, ACQUIRED, WITH EPILEPSY; EPILEPSY, FOCAL, WITH SPEECH DISORDER AND WITH OR WITHOUT MENTAL RETARDATION. Identifiers: Orphanet 1945, Orphanet 725, Orphanet 98818, MedGen C0282512, MONDO:0009509, OMIM 245570.

Allele frequency attached by ClinVar (database versions not stated): 1000 Genomes Project 0.00280; 1000 Genomes Project 30x 0.00297; TOPMed 0.00497; gnomAD 0.00502 and 0.00518; ExAC 0.00573; gnomAD exomes 0.00583 and 0.00760; ESP Exome Variant Server 0.00639.
gnomAD v4.1: 11,798 of 1,614,128 alleles (0.73%); highest among the groups gnomAD compares: Non-Finnish European, 0.85%; 63 homozygotes.

Submissions (16):

CeGaT Center for Human Genetics Tuebingen
Classification: Benign. Last evaluated: 2026-09-01. Review status: criteria provided, single submitter. Criteria: CeGaT Center For Human Genetics Tuebingen Variant Classification Criteria Version 2. Collection method: clinical testing. Allele origin: germline. Affected: yes. Observed: 79 variant alleles.
Comment: GRIN2A: BP4, BS1, BS2

Labcorp Genetics (formerly Invitae), Labcorp
Classification: Benign for Landau-Kleffner syndrome. Last evaluated: 2026-02-03. Review status: criteria provided, single submitter. Criteria: Invitae Variant Classification Sherloc (09022015). Collection method: clinical testing. Allele origin: germline.

ARUP Laboratories, Molecular Genetics and Genomics, ARUP Laboratories
Classification: Benign for Landau-Kleffner syndrome. Last evaluated: 2025-04-16. Review status: criteria provided, single submitter. Criteria: ARUP Molecular Germline Variant Investigation Process 2024. Collection method: clinical testing. Allele origin: germline.

Athena Diagnostics
Classification: Benign. Last evaluated: 2025-03-03. Review status: criteria provided, single submitter. Criteria: Athena Diagnostics Criteria. Collection method: clinical testing. Allele origin: unknown.
Comment: The frequency of this variant in the general population is higher than would generally be expected for pathogenic variants in this gene.

Blueprint Genetics
Classification: Likely benign. Last evaluated: 2024-11-27. Review status: criteria provided, single submitter. Criteria: ACMG Guidelines, 2015. Collection method: clinical testing. Allele origin: germline.

Fulgent Genetics
Classification: Likely benign for Landau-Kleffner syndrome. Last evaluated: 2021-07-08. Review status: criteria provided, single submitter. Criteria: ACMG Guidelines, 2015. Collection method: clinical testing. Allele origin: unknown.

Ambry Genetics
Classification: Likely benign for Inborn genetic diseases. Last evaluated: 2018-08-16. Review status: criteria provided, single submitter. Criteria: Ambry Variant Classification Scheme 2023. Collection method: clinical testing. Allele origin: germline.

Illumina Laboratory Services, Illumina
Classification: Benign for Landau-Kleffner syndrome. Last evaluated: 2018-01-13. Review status: criteria provided, single submitter. Criteria: ICSL Variant Classification Criteria 13 December 2019. Collection method: clinical testing. Allele origin: germline.
Comment: This variant was observed in the ICSL laboratory as part of a predisposition screen in an ostensibly healthy population. It had not been previously curated by ICSL or reported in the Human Gene Mutation Database (HGMD: prior to June 1st, 2018), and was therefore a candidate for classification through an automated scoring system. Utilizing variant allele frequency, disease prevalence and penetrance estimates, and inheritance mode, an automated score was calculated to assess if this variant is too frequent to cause the disease. Based on the score and internal cut-off values, a variant classified as benign is not then subjected to further curation. The score for this variant resulted in a classification of benign for this disease.

Eurofins Ntd Llc (ga)
Classification: Benign. Last evaluated: 2017-12-06. Review status: criteria provided, single submitter. Criteria: EGL Classification Definitions 2015. Collection method: clinical testing. Allele origin: germline. Observed: 1 variant allele, 1 heterozygote.

Institute for Genomic Medicine (IGM) Clinical Laboratory, Nationwide Children's Hospital
Classification: Likely benign. Last evaluated: 2017-07-11. Review status: criteria provided, single submitter. Criteria: ACMG Guidelines, 2015. Collection method: clinical testing. Allele origin: germline.
Comment: BS1, BP4, BP6; This alteration has an allele frequency that is greater than expected for the associated disease, is predicted to be tolerated by multiple functional prediction tools, and was reported as a benign/likely benign alteration by a reputable source (ClinVar or other correspondence from a clinical testing laboratory).

Center for Pediatric Genomic Medicine, Children's Mercy Hospital and Clinics
Classification: Benign. Last evaluated: 2016-09-16. Review status: criteria provided, single submitter. Criteria: ACMG Guidelines, 2015. Collection method: clinical testing. Allele origin: germline.

GeneDx
Classification: Benign. Last evaluated: 2014-02-07. Review status: criteria provided, single submitter. Criteria: GeneDx Variant Classification (06012015). Collection method: clinical testing. Allele origin: germline. Affected: yes.
Comment: This variant is considered likely benign or benign based on one or more of the following criteria: it is a conservative change, it occurs at a poorly conserved position in the protein, it is predicted to be benign by multiple in silico algorithms, and/or has population frequency not consistent with disease.

Genetic Services Laboratory, University of Chicago
Classification: Benign for AllHighlyPenetrant. Last evaluated: 2013-10-01. Review status: criteria provided, single submitter. Criteria: ACMG Guidelines, 2007. Collection method: clinical testing. Allele origin: germline. Inheritance: Autosomal dominant inheritance.

Breakthrough Genomics
Classification: Likely benign. Review status: criteria provided, single submitter. Criteria: ACMG Guidelines, 2015. Collection method: not provided. Allele origin: germline. Inheritance: Autosomal dominant inheritance. Affected: yes.

Genome Diagnostics Laboratory, University Medical Center Utrecht
Classification: Benign. Review status: no assertion criteria provided. Collection method: clinical testing. Allele origin: germline. Affected: yes. Study: VKGL Data-share Consensus. Not counted in ClinVar's aggregate classification.

Joint Genome Diagnostic Labs from Nijmegen and Maastricht, Radboudumc and MUMC+
Classification: Benign. Review status: no assertion criteria provided. Collection method: clinical testing. Allele origin: germline. Affected: yes. Study: VKGL Data-share Consensus. Not counted in ClinVar's aggregate classification.

Literature cited by the submitters: PubMed 39474911 (cited by Athena Diagnostics); PubMed 21703448 (cited by Athena Diagnostics); PubMed 38307912 (cited by Athena Diagnostics); PubMed 26220384 (cited by Athena Diagnostics and Ambry Genetics); PubMed 29124671 (cited by Ambry Genetics).

NM_001134407.3(GRIN2A):c.2899G>C (p.Val967Leu)

Gene: GRIN2A (glutamate ionotropic receptor NMDA type subunit 2A; minus strand). Cytogenetic location: 16p13.2.
Variant type: single nucleotide variant.
Coding change: c.2899G>C on transcript NM_001134407.3 (MANE Select); coding-DNA position 2899, G replaced by C.
Protein change: p.Val967Leu; replaces valine 967 with leucine.
Molecular consequence: missense variant.
Genome position (GRCh38, 1-based): chr16:9,764,645, C>G on the plus strand (G>C on the coding strand, the complement: GRIN2A is on the minus strand). VCF-style: chr16-9764645-C-G. GRCh37 (hg19) VCF-style: chr16-9858502-C-G.
Other names: p.V967L:GTG>CTG; c.2899G>C, p.Val967Leu (NM_000833.5, NM_001134408.2); short protein forms V967L.
Identifiers: ClinVar variation 129195 (VCV000129195.68), dbSNP rs61731465, ClinGen allele CA288898.